The following is an entry in ClinVar:

ClinVar aggregate classification (germline): Uncertain significance. Review status: criteria provided, multiple submitters, no conflicts (2 of 4 stars). 5 submissions from 5 submitters: Uncertain significance (5). Last evaluated 2023-12-13.

Conditions:
Malignant hyperthermia, susceptibility to, 1 (MHS1). Also called: RYR1-Related Malignant Hyperthermia Susceptibility; Anesthesia related hyperthermia; Malignant hyperpyrexia; Fulminating hyperpyrexia; Pharmacogenic myopathy; Malignant hyperthermia suceptibility 1. Identifiers: Orphanet 423, MedGen C2930980, MONDO:0007783, OMIM 145600.
RYR1-related disorder. Also called: RYR1-related condition; RYR1-related disorders. Identifiers: MedGen CN239331.
Inborn genetic diseases. Identifiers: MedGen C0950123, MeSH D030342.

Allele frequency attached by ClinVar (database versions not stated): gnomAD 0.00001 and 0.00002; gnomAD exomes 0.00001 and 0.00002; TOPMed 0.00001; ExAC 0.00003; 1000 Genomes Project 30x 0.00016; 1000 Genomes Project 0.00020.
gnomAD v4.1: 10 of 1,613,170 alleles (0.00062%); highest among the groups gnomAD compares: East Asian, 0.022%; no homozygotes.

Submissions (5):

All of Us Research Program, National Institutes of Health
Classification: Uncertain significance for Malignant hyperthermia, susceptibility to, 1. Last evaluated: 2023-12-13. Review status: criteria provided, single submitter. Criteria: ACMG Guidelines, 2015. Collection method: clinical testing. Allele origin: germline. Inheritance: Autosomal dominant inheritance. Observed: 1 variant allele, 1 heterozygote.
Comment: This missense variant replaces glutamic acid with lysine at codon 3860 of the RYR1 protein. Computational prediction suggests that this variant may have deleterious impact on protein structure and function (internally defined REVEL score threshold >= 0.7, PMID: 27666373). To our knowledge, functional studies have not been reported for this variant. This variant has not been reported in individuals affected with RYR1-related disorders in the literature. This variant has been identified in 7/281074 chromosomes in the general population by the Genome Aggregation Database (gnomAD). The available evidence is insufficient to determine the role of this variant in disease conclusively. Therefore, this variant is classified as a Variant of Uncertain Significance.

This study involves interpretation of variants in research participants for the purpose of population health screening. Participant phenotype was not available at the time of variant classification. Additional details can be found in publication PMID: 35346344, PMCID: PMC8962531

Color Diagnostics, LLC DBA Color Health
Classification: Uncertain significance for Malignant hyperthermia, susceptibility to, 1. Last evaluated: 2023-11-08. Review status: criteria provided, single submitter. Criteria: ACMG Guidelines, 2015. Collection method: clinical testing. Allele origin: germline.
Comment: This missense variant replaces glutamic acid with lysine at codon 3860 of the RYR1 protein. Computational prediction suggests that this variant may have deleterious impact on protein structure and function. To our knowledge, functional studies have not been reported for this variant. This variant has not been reported in individuals affected with RYR1-related disorders in the literature. This variant has been identified in 7/281074 chromosomes in the general population by the Genome Aggregation Database (gnomAD). The available evidence is insufficient to determine the role of this variant in disease conclusively. Therefore, this variant is classified as a Variant of Uncertain Significance.

PreventionGenetics, part of Exact Sciences
Classification: Uncertain significance for RYR1-related condition. Last evaluated: 2023-07-20. Review status: criteria provided, single submitter. Criteria: ACMG Guidelines, 2015. Collection method: clinical testing. Allele origin: germline.
Comment: The RYR1 c.11578G>A variant is predicted to result in the amino acid substitution p.Glu3860Lys. To our knowledge, this variant has not been reported in the literature. This variant is reported in 0.035% of alleles in individuals of East Asian descent in gnomAD. At this time, the clinical significance of this variant is uncertain due to the absence of conclusive functional and genetic evidence.

Ambry Genetics
Classification: Uncertain significance for Inborn genetic diseases. Last evaluated: 2023-05-23. Review status: criteria provided, single submitter. Criteria: Ambry Variant Classification Scheme 2023. Collection method: clinical testing. Allele origin: germline.

Labcorp Genetics (formerly Invitae), Labcorp
Classification: Uncertain significance for RYR1-related disorder. Last evaluated: 2022-02-24. Review status: criteria provided, single submitter. Criteria: Invitae Variant Classification Sherloc (09022015). Collection method: clinical testing. Allele origin: germline.
Comment: This sequence change replaces glutamic acid, which is acidic and polar, with lysine, which is basic and polar, at codon 3860 of the RYR1 protein (p.Glu3860Lys). This variant is present in population databases (rs199737015, gnomAD 0.03%). This variant has not been reported in the literature in individuals affected with RYR1-related conditions. ClinVar contains an entry for this variant (Variation ID: 544399). Advanced modeling of protein sequence and biophysical properties (such as structural, functional, and spatial information, amino acid conservation, physicochemical variation, residue mobility, and thermodynamic stability) performed at Invitae indicates that this missense variant is expected to disrupt RYR1 protein function. In summary, the available evidence is currently insufficient to determine the role of this variant in disease. Therefore, it has been classified as a Variant of Uncertain Significance.

NM_000540.3(RYR1):c.11578G>A (p.Glu3860Lys)

Gene: RYR1 (ryanodine receptor 1; plus strand). Cytogenetic location: 19q13.2.
Variant type: single nucleotide variant.
Coding change: c.11578G>A on transcript NM_000540.3 (MANE Select); coding-DNA position 11578, G replaced by A.
Protein change: p.Glu3860Lys; replaces glutamic acid 3860 with lysine.
Molecular consequence: missense variant.
Genome position (GRCh38, 1-based): chr19:38,536,058, G>A. VCF-style: chr19-38536058-G-A. GRCh37 (hg19) VCF-style: chr19-39026698-G-A.
Other names: c.11563G>A, p.Glu3855Lys (NM_001042723.2); short protein forms E3860K, E3855K.
Identifiers: ClinVar variation 544399 (VCV000544399.7), dbSNP rs199737015, ClinGen allele CA057150.